The following is an entry in ClinVar:

ClinVar aggregate classification (germline): Likely pathogenic (1 of 4 stars; one submission).

Conditions:
Dilated cardiomyopathy 1G (CMD1G). Identifiers: Orphanet 154, MedGen C1858763, MONDO:0011400, OMIM 604145.
Autosomal recessive limb-girdle muscular dystrophy type 2J (LGMDR10). Also called: Limb-girdle muscular dystrophy, type 2J; MUSCULAR DYSTROPHY, LIMB-GIRDLE, AUTOSOMAL RECESSIVE 10. Identifiers: Orphanet 140922, MedGen C1837342, MONDO:0012127, OMIM 608807.

gnomAD v4.1: 1 of 1,519,990 alleles (0.000066%); highest among the groups gnomAD compares: East Asian, 0.0024%; no homozygotes.

Submission:

Labcorp Genetics (formerly Invitae), Labcorp
Classification: Likely pathogenic for Dilated cardiomyopathy 1G; Autosomal recessive limb-girdle muscular dystrophy type 2J. Last evaluated: 2024-10-18. Review status: criteria provided, single submitter. Criteria: Invitae Variant Classification Sherloc (09022015). Collection method: clinical testing. Allele origin: germline.
Comment: This sequence change affects a donor splice site in intron 159 of the TTN gene. It is expected to disrupt RNA splicing and likely results in a truncated or disrupted TTN protein. This variant is not present in population databases (gnomAD no frequency). This variant has not been reported in the literature in individuals affected with TTN-related conditions. ClinVar contains an entry for this variant (Variation ID: 1353497). Algorithms developed to predict the effect of sequence changes on RNA splicing suggest that this variant may disrupt the consensus splice site. This variant is located in the I band of TTN (PMID: 25589632). Truncating variants in this region have been reported in individuals affected with autosomal recessive centronuclear myopathy (PMID: 23975875, internal data). Truncating variants in this region have also been identified in individuals affected with autosomal dominant dilated cardiomyopathy and/or cardio-related conditions (PMID: 27869827, 32964742, internal data). In summary, the currently available evidence indicates that the variant is pathogenic, but additional data are needed to prove that conclusively. Therefore, this variant has been classified as Likely Pathogenic.

Literature cited by the submitters: PubMed 25589632; PubMed 23975875; PubMed 27869827; PubMed 32964742.

NM_001267550.2(TTN):c.35545+1G>A

Gene: TTN (titin; minus strand). Cytogenetic location: 2q31.2.
Variant type: single nucleotide variant.
Coding change: c.35545+1G>A on transcript NM_001267550.2 (MANE Select); the canonical splice donor site of the intron after coding-DNA position 35545, G replaced by A.
Molecular consequence: splice donor variant. On other transcripts: intron variant (5).
Genome position (GRCh38, 1-based): chr2:178,669,372, C>T on the plus strand (G>A on the coding strand, the complement: TTN is on the minus strand). VCF-style: chr2-178669372-C-T. GRCh37 (hg19) VCF-style: chr2-179534099-C-T.
Other names: c.13283-27055G>A (NM_003319.4); c.13859-27055G>A (NM_133437.4); c.13658-27055G>A (NM_133432.3); c.31483+846G>A (NM_133378.4); c.34264+846G>A (NM_001256850.1).
Identifiers: ClinVar variation 1353497 (VCV001353497.8), dbSNP rs2154263213, ClinGen allele CA349511158.